The following is an entry in ClinVar:

NM_198994.3(TGM6):c.780G>T (p.Lys260Asn)

Gene: TGM6 (transglutaminase 6; plus strand). Cytogenetic location: 20p13.
Variant type: single nucleotide variant.
Coding change: c.780G>T on transcript NM_198994.3 (MANE Select); coding-DNA position 780, G replaced by T.
Protein change: p.Lys260Asn; replaces lysine 260 with asparagine.
Molecular consequence: missense variant.
Genome position (GRCh38, 1-based): chr20:2,399,668, G>T. VCF-style: chr20-2399668-G-T. GRCh37 (hg19) VCF-style: chr20-2380314-G-T.
Other names: c.780G>T, p.Lys260Asn (NM_001254734.2); short protein forms K260N.
Identifiers: ClinVar variation 4278714 (VCV004278714.1).

ClinVar aggregate classification (germline): Uncertain significance (1 of 4 stars; one submission).

gnomAD v4.1: 2 of 1,613,884 alleles (0.00012%); highest among the groups gnomAD compares: Non-Finnish European, 0.00017%; no homozygotes.

Submission:

GeneDx
Classification: Uncertain significance. Last evaluated: 2025-04-01. Review status: criteria provided, single submitter. Criteria: GeneDx Variant Classification Process June 2021. Collection method: clinical testing. Allele origin: germline. Affected: yes.
Comment: Not observed at significant frequency in large population cohorts (gnomAD); In silico analysis indicates that this missense variant does not alter protein structure/function; Has not been previously published as pathogenic or benign to our knowledge